The following is an entry in ClinVar:

NM_001080517.3(SETD5):c.2545C>T (p.Arg849Trp)

Gene: SETD5 (SET domain containing 5; plus strand). Cytogenetic location: 3p25.3.
Variant type: single nucleotide variant.
Coding change: c.2545C>T on transcript NM_001080517.3 (MANE Select); coding-DNA position 2545, C replaced by T.
Protein change: p.Arg849Trp; replaces arginine 849 with tryptophan.
Molecular consequence: missense variant.
Genome position (GRCh38, 1-based): chr3:9,464,493, C>T. VCF-style: chr3-9464493-C-T. GRCh37 (hg19) VCF-style: chr3-9506177-C-T.
Other names: c.2251C>T, p.Arg751Trp (NM_001292043.2, NM_001349451.2); short protein forms R751W, R849W.
Identifiers: ClinVar variation 3363224 (VCV003363224.1).

ClinVar aggregate classification (germline): Uncertain significance (1 of 4 stars; one submission).

gnomAD v4.1: 2 of 1,614,008 alleles (0.00012%); highest among the groups gnomAD compares: Non-Finnish European, 0.00017%; no homozygotes.

Submission:

GeneDx
Classification: Uncertain significance. Last evaluated: 2023-10-18. Review status: criteria provided, single submitter. Criteria: GeneDx Variant Classification Process June 2021. Collection method: clinical testing. Allele origin: germline. Affected: yes.
Comment: Not observed at significant frequency in large population cohorts (gnomAD); In silico analysis supports that this missense variant has a deleterious effect on protein structure/function; Has not been previously published as pathogenic or benign to our knowledge